The following is an entry in ClinVar:

ClinVar aggregate classification (germline): Uncertain significance. Review status: criteria provided, single submitter (1 of 4 stars). 2 submissions from 2 submitters: Uncertain significance (1). 1 of the submissions does not count toward it. Last evaluated 2023-05-15.

Conditions:
Epidermolysis bullosa dystrophica inversa, autosomal recessive. Identifiers: MedGen C2673612.

Submissions (2):

Women's Health and Genetics/Laboratory Corporation of America, LabCorp
Classification: Uncertain significance. Last evaluated: 2023-05-15. Review status: criteria provided, single submitter. Criteria: LabCorp Variant Classification Summary - May 2015. Collection method: clinical testing. Allele origin: germline.
Comment: Variant summary: COL7A1 c.6946G>A (p.Gly2316Arg) results in a non-conservative amino acid change in the encoded protein sequence. Five of five in-silico tools predict a damaging effect of the variant on protein function. The variant was absent in 251436 control chromosomes. c.6946G>A has been reported in the literature in compound heterozygous individuals affected with Dystrophic Epidermolysis Bullosa, Recessive carrying a second pathogenic variant in trans with evidence of familial segregation (Shimizu_1999, Chen_2023). These data indicate that the variant may be associated with disease. To our knowledge, no experimental evidence demonstrating an impact on protein function has been reported. The following publications have been ascertained in the context of this evaluation (PMID: 10469344, 36287101). No clinical diagnostic laboratories have submitted clinical-significance assessments for this variant to ClinVar after 2014. Based on the evidence outlined above, the variant was classified as VUS-possibly pathogenic.

OMIM
Classification: Pathogenic for EPIDERMOLYSIS BULLOSA DYSTROPHICA INVERSA, AUTOSOMAL RECESSIVE. Last evaluated: 1999-09-01. Review status: no assertion criteria provided. Collection method: literature only. Allele origin: germline. Not counted in ClinVar's aggregate classification.

Literature cited by the submitters: PubMed 36287101 (cited by Women's Health and Genetics/Laboratory Corporation of America, LabCorp); PubMed 10469344 (cited by Women's Health and Genetics/Laboratory Corporation of America, LabCorp and OMIM).

NM_000094.4(COL7A1):c.6946G>A (p.Gly2316Arg)

Gene: COL7A1 (collagen type VII alpha 1 chain; minus strand). Cytogenetic location: 3p21.31.
Variant type: single nucleotide variant.
Coding change: c.6946G>A on transcript NM_000094.4 (MANE Select); coding-DNA position 6946, G replaced by A.
Protein change: p.Gly2316Arg; replaces glycine 2316 with arginine.
Molecular consequence: missense variant.
Genome position (GRCh38, 1-based): chr3:48,572,412, C>T on the plus strand (G>A on the coding strand, the complement: COL7A1 is on the minus strand). VCF-style: chr3-48572412-C-T. GRCh37 (hg19) VCF-style: chr3-48609845-C-T.
Other names: short protein forms G2316R.
Identifiers: ClinVar variation 29633 (VCV000029633.2), dbSNP rs1575430201, ClinGen allele CA352652768.